The following is an entry in ClinVar:

ClinVar aggregate classification (germline): Uncertain significance (1 of 4 stars; one submission).

Allele frequency attached by ClinVar (database versions not stated): gnomAD 0.00001; TOPMed 0.00001.
gnomAD v4.1: 1 of 1,613,610 alleles (0.000062%); highest among the groups gnomAD compares: African/African-American, 0.0013%; no homozygotes.

Submission:

GeneDx
Classification: Uncertain significance. Last evaluated: 2012-07-06. Review status: criteria provided, single submitter. Criteria: GeneDx Variant Classification (06012015). Collection method: clinical testing. Allele origin: germline. Affected: yes.
Comment: p.Lys179Thr (AAA>ACA): c.536 A>C in exon 3 of the PDSS2 gene (NM_020381.3). The K179T missense change has not been published as a mutation, nor has it been reported as a benign polymorphism to our knowledge. The amino acid change is non-conservative in that a positively charged Lysine residue is replaced by an uncharged Threonine residue. This change occurs at a position in the PDSS2 protein that is not highly conserved. In-silico analyses are not consistent in their predictions as to whether or not K179T is damaging to the PDSS2 protein. Therefore, based on the currently available information it is unclear whether K179T is a disease-causing mutation or a rare benign variant. The variant is found in MITONUC-MITOP panel(s).

NM_020381.4(PDSS2):c.536A>C (p.Lys179Thr)

Gene: PDSS2 (decaprenyl diphosphate synthase subunit 2; minus strand). Cytogenetic location: 6q21.
Variant type: single nucleotide variant.
Coding change: c.536A>C on transcript NM_020381.4 (MANE Select); coding-DNA position 536, A replaced by C.
Protein change: p.Lys179Thr; replaces lysine 179 with threonine.
Molecular consequence: missense variant.
Genome position (GRCh38, 1-based): chr6:107,274,123, T>G on the plus strand (A>C on the coding strand, the complement: PDSS2 is on the minus strand). VCF-style: chr6-107274123-T-G. GRCh37 (hg19) VCF-style: chr6-107595327-T-G.
Other names: short protein forms K179T.
Identifiers: ClinVar variation 214993 (VCV000214993.2), dbSNP rs863224165, ClinGen allele CA323077.